The following is an entry in ClinVar:

NM_001363118.2(SLC52A2):c.149dup (p.Tyr50Ter)

Gene: SLC52A2 (solute carrier family 52 member 2; plus strand). Cytogenetic location: 8q24.3.
Variant type: Duplication.
Coding change: c.149dup on transcript NM_001363118.2 (MANE Select); coding-DNA position 149, one base duplicated (A; older notation c.149dupA).
Protein change: p.Tyr50Ter; replaces tyrosine 50 with a stop codon.
Molecular consequence: nonsense. On other transcripts: non-coding transcript variant (1), intron variant (1).
Genome position (GRCh38, 1-based): chr8:144,359,641, A duplicated. VCF-style (leftmost placement, unchanged base first): chr8-144359640-T-TA. GRCh37 (hg19) VCF-style: chr8-145583300-T-TA.
Other names: c.149dup (NM_024531.4); c.149dup, p.Tyr50Ter (NM_001253815.2, NM_001253816.2, NM_001363120.2 and 2 more transcripts); c.130+218dup (NM_001363122.2); short protein forms Y50*.
Identifiers: ClinVar variation 419108 (VCV000419108.12), dbSNP rs782095095, ClinGen allele CA16618613.
Genomic context (GRCh38, chr8:144,359,640, plus strand): 5'-TTGGGCATCATGACCCTGACATGGCCTCCTCCCTTCCCTGCAGGTTGGAGCCTCCCCTCT[T>TA]ACGTCTCTGTGCTTGTGGCTCTGGGGAACCTGGGTCTGCTGGTGGTGACCCTCTGGAGGA-3'

ClinVar aggregate classification (germline): Pathogenic. Review status: criteria provided, multiple submitters, no conflicts (2 of 4 stars). 4 submissions from 4 submitters: Pathogenic (2). 2 of the submissions do not count toward it. Last evaluated 2025-10-19.

Conditions:
Brown-Vialetto-van Laere syndrome 2. Also called: Riboflavin transporter deficiency type 2; SPINOCEREBELLAR ATAXIA WITH BLINDNESS AND DEAFNESS 2. Identifiers: Orphanet 572543, Orphanet 97229, MedGen C3553538, MONDO:0013867, OMIM 614707.

Submissions (4):

Labcorp Genetics (formerly Invitae), Labcorp
Classification: Pathogenic for Brown-Vialetto-van Laere syndrome 2. Last evaluated: 2025-10-19. Review status: criteria provided, single submitter. Criteria: Invitae Variant Classification Sherloc (09022015). Collection method: clinical testing. Allele origin: germline.
Comment: This sequence change creates a premature translational stop signal (p.Tyr50*) in the SLC52A2 gene. It is expected to result in an absent or disrupted protein product. Loss-of-function variants in SLC52A2 are known to be pathogenic (PMID: 24253200). This variant is present in population databases (no rsID available, gnomAD 0.01%). This variant has not been reported in the literature in individuals affected with SLC52A2-related conditions. ClinVar contains an entry for this variant (Variation ID: 419108). For these reasons, this variant has been classified as Pathogenic.

GeneDx
Classification: Pathogenic. Last evaluated: 2015-06-09. Review status: criteria provided, single submitter. Criteria: GeneDx Variant Classification (06012015). Collection method: clinical testing. Allele origin: germline. Affected: yes.
Comment: The c.149dupA variant in the SLC52A2 gene has not been reported previously as a pathogenic variant nor as a benign polymorphism, to our knowledge. The c.149dupA duplication is predicted to cause loss ofnormal protein function either through protein truncation or nonsense-mediated mRNA decay. A proteintruncating variant downstream of c.149dupA has been reported in the Human Gene Mutation Databasein association with an SLC52A2-related disorder (Stenson et al., 2014), supporting the pathogenicity ofmore upstream truncating variants. The c.149dupA duplication was not observed in approximately 6500individuals of European and African American ancestry in the NHLBI Exome Sequencing Project,indicating it is not a common benign variant in these populations. We interpret c.149dupA as a pathogenic variant.

Clinical Genetics DNA and cytogenetics Diagnostics Lab, Erasmus MC, Erasmus Medical Center
Classification: Pathogenic. Review status: no assertion criteria provided. Collection method: clinical testing. Allele origin: germline. Affected: yes. Study: VKGL Data-share Consensus. Not counted in ClinVar's aggregate classification.

Joint Genome Diagnostic Labs from Nijmegen and Maastricht, Radboudumc and MUMC+
Classification: Pathogenic. Review status: no assertion criteria provided. Collection method: clinical testing. Allele origin: germline. Affected: yes. Study: VKGL Data-share Consensus. Not counted in ClinVar's aggregate classification.

Literature cited by the submitters: PubMed 24253200 (cited by Labcorp Genetics (formerly Invitae), Labcorp).